The following is an entry in ClinVar:

NM_005445.4(SMC3):c.3298G>T (p.Val1100Leu)

Gene: SMC3 (structural maintenance of chromosomes 3; plus strand). Cytogenetic location: 10q25.2.
Variant type: single nucleotide variant.
Coding change: c.3298G>T on transcript NM_005445.4 (MANE Select); coding-DNA position 3298, G replaced by T.
Protein change: p.Val1100Leu; replaces valine 1100 with leucine.
Molecular consequence: missense variant.
Genome position (GRCh38, 1-based): chr10:110,602,825, G>T. VCF-style: chr10-110602825-G-T. GRCh37 (hg19) VCF-style: chr10-112362583-G-T.
Other names: short protein forms V1100L.
Identifiers: ClinVar variation 424089 (VCV000424089.2), dbSNP rs1064796790, ClinGen allele CA16618929.

ClinVar aggregate classification (germline): Likely pathogenic (1 of 4 stars; one submission).

Submission:

GeneDx
Classification: Likely pathogenic. Last evaluated: 2017-03-06. Review status: criteria provided, single submitter. Criteria: GeneDx Variant Classification (06012015). Collection method: clinical testing. Allele origin: germline. Affected: yes.
Comment: The c.3298 G>T variant in the SMC3 gene has not been reported previously as a pathogenic variant, nor as a benign variant, to our knowledge. This variant is not observed in large population cohorts (Lek et al., 2016; 1000 Genomes Consortium et al., 2015; Exome Variant Server). In-silico splice prediction models predict that c.3298 G>T may damage the natural splice acceptor site of intron 26, which may cause abnormal splicing. However, in the absence of RNA/functional studies, the actual effect of the c.3298 G>T change in this individual is unknown. If c.3298 G>T does not alter splicing, it will result in the V1100L missense change. The V1100L variant is a conservative amino acid substitution, which occurs at a position that is conserved across species. In silico analysis predicts this variant is probably damaging to the protein structure/function. The c.3298 G>T variant is a strong candidate for a pathogenic variant